The following is an entry in ClinVar:

NC_000019.9:g.(?_40913793)_(40913839_?)del

Gene: PRX (periaxin; minus strand). Cytogenetic location: 19q13.2.
Variant type: Deletion.
Identifiers: ClinVar variation 3248510 (VCV003248510.1).

ClinVar aggregate classification (germline): Pathogenic (1 of 4 stars; one submission).

Conditions:
Charcot-Marie-Tooth disease type 4. Also called: Charcot-Marie-Tooth disease, type IV; Charcot-Marie-Tooth, Type 4. Identifiers: Orphanet 64749, MedGen C4082197, MONDO:0018995.

Submission:

Labcorp Genetics (formerly Invitae), Labcorp
Classification: Pathogenic for Charcot-Marie-Tooth disease type 4. Last evaluated: 2023-04-03. Review status: criteria provided, single submitter. Criteria: Invitae Variant Classification Sherloc (09022015). Collection method: clinical testing. Allele origin: unknown.
Comment: This variant is a gross deletion of the genomic region encompassing exon(s) 4 of the PRX gene, which includes the initiator codon. This deletion extends beyond the assayed region for this gene and therefore may encompass additional genes. It is expected to result in an absent or disrupted protein product. Loss-of-function variants in PRX are known to be pathogenic (PMID: 11133365). This variant has not been reported in the literature in individuals affected with PRX-related conditions. For these reasons, this variant has been classified as Pathogenic.

Literature cited by the submitters: PubMed 11133365.